The following is an entry in ClinVar:

NM_007294.4(BRCA1):c.2834_2835del (p.Ser945fs)

Gene: BRCA1 (BRCA1 DNA repair associated; minus strand). Cytogenetic location: 17q21.31.
Variant type: Deletion.
Coding change: c.2834_2835del on transcript NM_007294.4 (MANE Select); coding-DNA positions 2834 to 2835, 2 bases deleted (GT; older notation c.2834_2835delGT).
Protein change: p.Ser945fs; shifts the reading frame from serine 945.
Molecular consequence: frameshift variant. On other transcripts: intron variant (137).
Genome position (GRCh38, 1-based): chr17:43,092,696-43,092,697, AC deleted on the plus strand (GT on the coding strand, the reverse complement: BRCA1 is on the minus strand). VCF-style (leftmost placement, unchanged base first): chr17-43092695-TAC-T. GRCh37 (hg19) VCF-style: chr17-41244712-TAC-T.
Other names: 2953delGT; c.2621_2622del, p.Ser874fs (NM_001407571.1, NM_001407853.1, NM_001407894.1 and 9 more transcripts); c.2834_2835del, p.Ser945fs (NM_001407581.1, NM_001407582.1, NM_001407583.1 and 30 more transcripts); c.2831_2832del, p.Ser944fs (NM_001407587.1, NM_001407590.1, NM_001407591.1 and 22 more transcripts); c.2825_2826del, p.Ser942fs (NM_001407646.1, NM_001407647.1); c.2711_2712del, p.Ser904fs (NM_001407648.1, NM_001407664.1, NM_001407665.1 and 19 more transcripts); c.2708_2709del, p.Ser903fs (NM_001407649.1, NM_001407670.1, NM_001407671.1 and 11 more transcripts); c.2756_2757del, p.Ser919fs (NM_001407653.1, NM_001407654.1, NM_001407655.1 and 4 more transcripts); and 42 more; short protein forms S945fs, S898fs, S777fs, S875fs, S897fs, S942fs, S834fs, S856fs.
Identifiers: ClinVar variation 54692 (VCV000054692.5), dbSNP rs397509015, ClinGen allele CA001850.

ClinVar aggregate classification (germline): Pathogenic (3 of 4 stars; one submission).

Conditions:
Breast-ovarian cancer, familial, susceptibility to, 1 (BROVCA1). Also called: OVARIAN CANCER, SUSCEPTIBILITY TO; BRCA1 Hereditary Breast and Ovarian Cancer. Identifiers: Orphanet 145, MedGen C2676676, MONDO:0011450, OMIM 604370. Disease mechanism: loss of function.

Submission:

Evidence-based Network for the Interpretation of Germline Mutant Alleles (ENIGMA)
Classification: Pathogenic for Breast-ovarian cancer, familial, susceptibility to, 1. Last evaluated: 2016-10-18. Review status: reviewed by expert panel. Criteria: ENIGMA BRCA1/2 Classification Criteria (2015). Collection method: curation. Allele origin: germline.
Comment: Variant allele predicted to encode a truncated non-functional protein.